The following is an entry in ClinVar:

NM_002230.4(JUP):c.425G>T (p.Arg142Leu)

Gene: JUP (junction plakoglobin; minus strand). Cytogenetic location: 17q21.2.
Variant type: single nucleotide variant.
Coding change: c.425G>T on transcript NM_002230.4 (MANE Select); coding-DNA position 425, G replaced by T.
Protein change: p.Arg142Leu; replaces arginine 142 with leucine.
Molecular consequence: missense variant.
Genome position (GRCh38, 1-based): chr17:41,769,461, C>A on the plus strand (G>T on the coding strand, the complement: JUP is on the minus strand). VCF-style: chr17-41769461-C-A. GRCh37 (hg19) VCF-style: chr17-39925713-C-A.
Other names: p.Arg142Leu; c.425G>T, p.Arg142Leu (NM_001352773.2, NM_001352774.2, NM_001352775.2 and 3 more transcripts); short protein forms R142L.
Identifiers: ClinVar variation 4542154 (VCV004542154.1).
Genomic context (GRCh38, chr17:41,769,461, plus strand): 5'-CAGGGACCCTCACAGACCGGGTCCTCGTCGTTGAGCAGTTTGGTGAGCTCGGGCAGGGCG[C>A]GAGTGGCCAGCTCGGCATCGTCCTGGTAGTTGATGAGATGCACAATGGCCGACTTGAGCA-3'
Protein context (NP_002221.1, residues 132-152): NYQDDAELAT[Arg142Leu]ALPELTKLLN

ClinVar aggregate classification (germline): Uncertain significance (1 of 4 stars; one submission).

gnomAD v4.1: 1 of 1,612,824 alleles (0.000062%); no homozygotes.

Submission:

Mayo Clinic Laboratories, Mayo Clinic
Classification: Uncertain significance. Last evaluated: 2025-09-24. Review status: criteria provided, single submitter. Criteria: ACMG Guidelines, 2015. Collection method: clinical testing. Allele origin: germline. Observed: 1 variant allele.
Comment: PP3, PM2_supporting